The following is an entry in ClinVar:

ClinVar aggregate classification (germline): Uncertain significance (1 of 4 stars; one submission).

Conditions:
Primary ciliary dyskinesia 33. Also called: CILIARY DYSKINESIA, PRIMARY, 33, WITHOUT SITUS INVERSUS. Identifiers: Orphanet 244, MedGen C4225230, MONDO:0014750, OMIM 616726.

Allele frequency attached by ClinVar (database versions not stated): TOPMed 0.00001.
gnomAD v4.1: 14 of 1,613,700 alleles (0.00087%); highest among the groups gnomAD compares: African/African-American, 0.0027%; no homozygotes.

Submission:

Labcorp Genetics (formerly Invitae), Labcorp
Classification: Uncertain significance for Primary ciliary dyskinesia 33. Last evaluated: 2021-02-13. Review status: criteria provided, single submitter. Criteria: Invitae Variant Classification Sherloc (09022015). Collection method: clinical testing. Allele origin: germline.
Comment: In summary, the available evidence is currently insufficient to determine the role of this variant in disease. Therefore, it has been classified as a Variant of Uncertain Significance. Algorithms developed to predict the effect of sequence changes on RNA splicing suggest that this variant may create or strengthen a splice site, but this prediction has not been confirmed by published transcriptional studies. Algorithms developed to predict the effect of missense changes on protein structure and function are either unavailable or do not agree on the potential impact of this missense change (SIFT: "Tolerated"; PolyPhen-2: "Possibly Damaging"; Align-GVGD: "Class C0"). This variant has not been reported in the literature in individuals with GAS8-related conditions. This variant is present in population databases (rs541006180, ExAC 0.003%). This sequence change replaces leucine with valine at codon 154 of the GAS8 protein (p.Leu154Val). The leucine residue is highly conserved and there is a small physicochemical difference between leucine and valine.

NM_001481.3(GAS8):c.460C>G (p.Leu154Val)

Gene: GAS8 (growth arrest specific 8; plus strand). Cytogenetic location: 16q24.3.
Variant type: single nucleotide variant.
Coding change: c.460C>G on transcript NM_001481.3 (MANE Select); coding-DNA position 460, C replaced by G.
Protein change: p.Leu154Val; replaces leucine 154 with valine.
Molecular consequence: missense variant. On other transcripts: 5 prime UTR variant (1).
Genome position (GRCh38, 1-based): chr16:90,032,889, C>G. VCF-style: chr16-90032889-C-G. GRCh37 (hg19) VCF-style: chr16-90099297-C-G.
Other names: c.211C>G, p.Leu71Val (NM_001286205.2); c.-62C>G (NM_001286208.2); c.385C>G, p.Leu129Val (NM_001286209.2); short protein forms L71V, L129V, L154V.
Identifiers: ClinVar variation 860625 (VCV000860625.7), dbSNP rs541006180, ClinGen allele CA8257803.